The following is an entry in ClinVar:

NM_024876.4(COQ8B):c.649G>A (p.Ala217Thr)

Gene: COQ8B (coenzyme Q8B; minus strand). Cytogenetic location: 19q13.2.
Variant type: single nucleotide variant.
Coding change: c.649G>A on transcript NM_024876.4 (MANE Select); coding-DNA position 649, G replaced by A.
Protein change: p.Ala217Thr; replaces alanine 217 with threonine.
Molecular consequence: missense variant.
Genome position (GRCh38, 1-based): chr19:40,703,783, C>T on the plus strand (G>A on the coding strand, the complement: COQ8B is on the minus strand). VCF-style: chr19-40703783-C-T. GRCh37 (hg19) VCF-style: chr19-41209688-C-T.
Other names: c.526G>A, p.Ala176Thr (NM_001142555.3); short protein forms A217T, A176T.
Identifiers: ClinVar variation 2138297 (VCV002138297.3), dbSNP rs116013644, ClinGen allele CA9450339.

ClinVar aggregate classification (germline): Conflicting classifications of pathogenicity. Review status: criteria provided, conflicting classifications (1 of 4 stars). 2 submissions from 2 submitters: Likely pathogenic (1); Uncertain significance (1). Last evaluated 2025-10-02.

Conditions:
ADCK4 & COQ8B-related disorders.

Allele frequency attached by ClinVar (database versions not stated): ExAC 0.00015; TOPMed 0.00015; gnomAD 0.00016; 1000 Genomes Project 30x 0.00031; ESP Exome Variant Server 0.00031; 1000 Genomes Project 0.00040.

Submissions (2):

Labcorp Genetics (formerly Invitae), Labcorp
Classification: Uncertain significance. Last evaluated: 2025-10-02. Review status: criteria provided, single submitter. Criteria: Invitae Variant Classification Sherloc (09022015). Collection method: clinical testing. Allele origin: germline.
Comment: This sequence change replaces alanine, which is neutral and non-polar, with threonine, which is neutral and polar, at codon 217 of the COQ8B protein (p.Ala217Thr). This variant is present in population databases (rs116013644, gnomAD 0.02%). This missense change has been observed in individual(s) with focal segmental glomerulosclerosis (PMID: 35483523). ClinVar contains an entry for this variant (Variation ID: 2138297). Invitae Evidence Modeling of protein sequence and biophysical properties (such as structural, functional, and spatial information, amino acid conservation, physicochemical variation, residue mobility, and thermodynamic stability) has been performed for this missense variant. However, the output from this modeling did not meet the statistical confidence thresholds required to predict the impact of this variant on COQ8B protein function. In summary, the available evidence is currently insufficient to determine the role of this variant in disease. Therefore, it has been classified as a Variant of Uncertain Significance.

Blueprint Genetics
Classification: Likely pathogenic for ADCK4 & COQ8B-related disorders. Last evaluated: 2024-10-08. Review status: criteria provided, single submitter. Criteria: ACMG Guidelines, 2015. Collection method: clinical testing. Allele origin: germline. Affected: yes. Observed: 5 variant alleles.

Literature cited by the submitters: PubMed 35483523 (cited by Labcorp Genetics (formerly Invitae), Labcorp).